The following is an entry in ClinVar:

ClinVar aggregate classification (germline): Likely benign (0 of 4 stars; one submission).

Conditions:
MAP3K1-related disorder. Also called: MAP3K1-related condition.

Allele frequency attached by ClinVar (database versions not stated): gnomAD exomes 0.00001; ExAC 0.00002; ESP Exome Variant Server 0.00008; gnomAD 0.00011; TOPMed 0.00015.
gnomAD v4.1: 27 of 1,614,048 alleles (0.0017%); highest among the groups gnomAD compares: African/African-American, 0.036%; no homozygotes.

Submission:

PreventionGenetics, part of Exact Sciences
Classification: Likely benign for MAP3K1-related condition. Last evaluated: 2019-08-20. Review status: no assertion criteria provided. Collection method: clinical testing. Allele origin: germline.
Comment: This variant is classified as likely benign based on ACMG/AMP sequence variant interpretation guidelines (Richards et al. 2015 PMID: 25741868, with internal and published modifications).

NM_005921.2(MAP3K1):c.4200T>C (p.Thr1400=)

Gene: MAP3K1 (mitogen-activated protein kinase kinase kinase 1; plus strand). Cytogenetic location: 5q11.2.
Variant type: single nucleotide variant.
Coding change: c.4200T>C on transcript NM_005921.2 (MANE Select); coding-DNA position 4200, T replaced by C.
Protein change: p.Thr1400=; no amino-acid change (threonine 1400 retained).
Molecular consequence: synonymous variant.
Genome position (GRCh38, 1-based): chr5:56,887,463, T>C. VCF-style: chr5-56887463-T-C. GRCh37 (hg19) VCF-style: chr5-56183290-T-C.
Identifiers: ClinVar variation 3052482 (VCV003052482.2), dbSNP rs370770222, ClinGen allele CA3273340.